The following is an entry in ClinVar:

NM_022464.5(SIL1):c.1127_1128del (p.Gln376fs)

Gene: SIL1 (SIL1 nucleotide exchange factor; minus strand). Cytogenetic location: 5q31.2.
Variant type: Deletion.
Coding change: c.1127_1128del on transcript NM_022464.5 (MANE Select); coding-DNA positions 1127 to 1128, 2 bases deleted (AG; older notation c.1127_1128delAG).
Protein change: p.Gln376fs; shifts the reading frame from glutamine 376.
Molecular consequence: frameshift variant.
Genome position (GRCh38, 1-based): chr5:138,947,375-138,947,376, CT deleted on the plus strand (AG on the coding strand, the reverse complement: SIL1 is on the minus strand). VCF-style (leftmost placement, unchanged base first): chr5-138947374-CCT-C. GRCh37 (hg19) VCF-style: chr5-138283063-CCT-C.
Other names: c.1127_1128del, p.Gln376fs (NM_001037633.2); short protein forms Q376fs.
Identifiers: ClinVar variation 3652523 (VCV003652523.2).

ClinVar aggregate classification (germline): Pathogenic (1 of 4 stars; one submission).

Conditions:
Marinesco-Sjögren syndrome (MSS). Also called: Marinesco-Sjogren Syndrome; Marinesco-SjÃ¶gren syndrome. Identifiers: Orphanet 559, MedGen C0024814, MONDO:0009567, OMIM 248800.

Submission:

Labcorp Genetics (formerly Invitae), Labcorp
Classification: Pathogenic for Marinesco-Sjögren syndrome. Last evaluated: 2024-05-07. Review status: criteria provided, single submitter. Criteria: Invitae Variant Classification Sherloc (09022015). Collection method: clinical testing. Allele origin: germline.
Comment: This sequence change creates a premature translational stop signal (p.Gln376Argfs*16) in the SIL1 gene. While this is not anticipated to result in nonsense mediated decay, it is expected to disrupt the last 86 amino acid(s) of the SIL1 protein. This variant is not present in population databases (gnomAD no frequency). This variant has not been reported in the literature in individuals affected with SIL1-related conditions. This variant disrupts a region of the SIL1 protein in which other variant(s) (p.Gln414*) have been determined to be pathogenic (PMID: 19471582). This suggests that this is a clinically significant region of the protein, and that variants that disrupt it are likely to be disease-causing. For these reasons, this variant has been classified as Pathogenic.

Literature cited by the submitters: PubMed 19471582.